The following is an entry in ClinVar:

ClinVar aggregate classification (germline): Likely pathogenic (0 of 4 stars; one submission).

Conditions:
KMT2D-related disorder. Also called: KMT2D-Related Disorders.

Submission:

PreventionGenetics, part of Exact Sciences
Classification: Likely pathogenic for KMT2D-related condition. Last evaluated: 2024-09-05. Review status: no assertion criteria provided. Collection method: clinical testing. Allele origin: germline.
Comment: The KMT2D c.8111delA variant is predicted to result in a frameshift and premature protein termination (p.Lys2704Argfs*29). To our knowledge, this variant has not been reported in the literature or in a large population database, indicating this variant is rare. Frameshift variants in KMT2D are expected to be pathogenic. This variant is interpreted as likely pathogenic.

NM_003482.4(KMT2D):c.8111del (p.Lys2704fs)

Gene: KMT2D (lysine methyltransferase 2D; minus strand). Cytogenetic location: 12q13.12.
Variant type: Deletion.
Coding change: c.8111del on transcript NM_003482.4 (MANE Select); coding-DNA position 8111, one base deleted (A; older notation c.8111delA).
Protein change: p.Lys2704fs; shifts the reading frame from lysine 2704.
Molecular consequence: frameshift variant.
Genome position (GRCh38, 1-based): chr12:49,039,553, T deleted on the plus strand (A on the coding strand, the reverse complement: KMT2D is on the minus strand); the first of 2 consecutive T bases (chr12:49,039,553-49,039,554); deleting either gives the same sequence. VCF-style (leftmost placement, unchanged base first): chr12-49039552-CT-C. GRCh37 (hg19) VCF-style: chr12-49433335-CT-C.
Other names: c.8111delA (NM_003482.3); short protein forms K2704fs.
Identifiers: ClinVar variation 3344449 (VCV003344449.1).
Genomic context (GRCh38, chr12:49,039,552, plus strand): 5'-GGGCTCAGCACCCCAGCTGCCTGGAGGCCCCACTGCTCCTGCAGCTGCTGCAGCTGTTTC[CT>C]TCTCCTGCCGCAGGGTGTTGCGCTGGATCTGCTGCCGAATCAGCAGCTCTCGTAGTCGCT-3'